The following is an entry in ClinVar:

ClinVar aggregate classification (germline): Conflicting classifications of pathogenicity. Review status: criteria provided, conflicting classifications (1 of 4 stars). 6 submissions from 6 submitters: Uncertain significance (2); Likely benign (4). Last evaluated 2025-03-04.

Conditions:
Lynch syndrome. Identifiers: Orphanet 144, MedGen C4552100, MONDO:0005835. Disease mechanism: loss of function.
Familial cancer of breast. Also called: hereditary breast carcinoma; Hereditary breast cancer; BREAST CANCER, FAMILIAL. Identifiers: Orphanet 227535, MedGen C0346153, MONDO:0016419, OMIM 114480. Disease mechanism: loss of function.
Hereditary cancer-predisposing syndrome. Also called: Tumor predisposition; Hereditary neoplastic syndrome; Neoplastic Syndromes, Hereditary; Hereditary Cancer Syndrome. Identifiers: Orphanet 140162, MedGen C0027672, MeSH D009386, MONDO:0015356.

Allele frequency attached by ClinVar (database versions not stated): gnomAD exomes below 0.00001 and 0.00002; TOPMed below 0.00001; ExAC 0.00001; gnomAD 0.00001.
gnomAD v4.1: 25 of 1,611,042 alleles (0.0016%); highest among the groups gnomAD compares: Non-Finnish European, 0.0021%; no homozygotes.

Submissions (6):

Center for Genomic Medicine, Rigshospitalet, Copenhagen University Hospital
Classification: Likely benign. Last evaluated: 2025-03-04. Review status: criteria provided, single submitter. Criteria: ACMG Guidelines, 2015. Collection method: clinical testing. Allele origin: germline.

All of Us Research Program, National Institutes of Health
Classification: Likely benign for Lynch syndrome. Last evaluated: 2023-12-01. Review status: criteria provided, single submitter. Criteria: ACMG Guidelines, 2015. Collection method: clinical testing. Allele origin: germline. Inheritance: Autosomal dominant inheritance. Observed: 2 variant alleles, 2 heterozygotes.
Comment: This study involves interpretation of variants in research participants for the purpose of population health screening. Participant phenotype was not available at the time of variant classification. Additional details can be found in publication PMID: 35346344, PMCID: PMC8962531

Department of Pathology and Laboratory Medicine, Sinai Health System
Classification: Uncertain significance for hereditary breast carcinoma. Last evaluated: 2020-04-07. Review status: criteria provided, single submitter. Criteria: ACMG Guidelines, 2015. Collection method: clinical testing. Allele origin: germline. Affected: no.

Ambry Genetics
Classification: Uncertain significance for Hereditary cancer-predisposing syndrome. Last evaluated: 2017-08-30. Review status: criteria provided, single submitter. Criteria: Ambry Variant Classification Scheme 2023. Collection method: clinical testing. Allele origin: germline.
Comment: The c.-12C>G variant is located in the 5' untranslated region (5&rsquo; UTR) of the MSH6 gene. This variant results from a C to G substitution 12 bases upstream from the first translated codon. This nucleotide position is poorly conserved in available vertebrate species. Since supporting evidence is limited at this time, the clinical significance of this alteration remains unclear.

GeneDx
Classification: Likely benign. Last evaluated: 2017-05-17. Review status: criteria provided, single submitter. Criteria: GeneDx Variant Classification (06012015). Collection method: clinical testing. Allele origin: germline. Affected: yes.
Comment: This variant is considered likely benign or benign based on one or more of the following criteria: it is a conservative change, it occurs at a poorly conserved position in the protein, it is predicted to be benign by multiple in silico algorithms, and/or has population frequency not consistent with disease.

Color Diagnostics, LLC DBA Color Health
Classification: Likely benign for Hereditary cancer-predisposing syndrome. Last evaluated: 2017-03-08. Review status: criteria provided, single submitter. Criteria: ACMG Guidelines, 2015. Collection method: clinical testing. Allele origin: germline.

NM_000179.3(MSH6):c.-12C>G

Gene: MSH6 (mutS homolog 6; plus strand). Cytogenetic location: 2p16.3.
Variant type: single nucleotide variant.
Coding change: c.-12C>G on transcript NM_000179.3 (MANE Select); 12 bases upstream of the start codon, C replaced by G.
Molecular consequence: 5 prime UTR variant.
Genome position (GRCh38, 1-based): chr2:47,783,222, C>G. VCF-style: chr2-47783222-C-G. GRCh37 (hg19) VCF-style: chr2-48010361-C-G.
Other names: c.-12C>G (NM_001281492.2); c.-748C>G (NM_001281493.2).
Identifiers: ClinVar variation 381231 (VCV000381231.9), dbSNP rs766407370, ClinGen allele CA067463.